The following is an entry in ClinVar:

NM_018136.5(ASPM):c.7565T>G (p.Leu2522Ter)

Gene: ASPM (assembly factor for spindle microtubules; minus strand). Cytogenetic location: 1q31.3.
Variant type: single nucleotide variant.
Coding change: c.7565T>G on transcript NM_018136.5 (MANE Select); coding-DNA position 7565, T replaced by G.
Protein change: p.Leu2522Ter; replaces leucine 2522 with a stop codon.
Molecular consequence: nonsense. On other transcripts: intron variant (1).
Genome position (GRCh38, 1-based): chr1:197,101,686, A>C on the plus strand (T>G on the coding strand, the complement: ASPM is on the minus strand). VCF-style: chr1-197101686-A-C. GRCh37 (hg19) VCF-style: chr1-197070816-A-C.
Other names: c.4066-5522T>G (NM_001206846.2); short protein forms L2522*.
Identifiers: ClinVar variation 136427 (VCV000136427.39), dbSNP rs62624965, ClinGen allele CA171244.

ClinVar aggregate classification (germline): Benign/Likely benign. Review status: criteria provided, multiple submitters, no conflicts (2 of 4 stars). 7 submissions from 7 submitters: Benign (5); Likely benign (2). Last evaluated 2026-02-01.

Conditions:
Microcephaly 5, primary, autosomal recessive (MCPH5). Also called: ASPM Primary Microcephaly. Identifiers: Orphanet 2512, MedGen C1837501, MONDO:0012106, OMIM 608716.

Allele frequency attached by ClinVar (database versions not stated): gnomAD exomes 0.00078 and 0.00214; ExAC 0.00252; gnomAD 0.00736 and 0.00780; ESP Exome Variant Server 0.00854; TOPMed 0.00861; 1000 Genomes Project 0.01138; 1000 Genomes Project 30x 0.01234.

Submissions (7):

CeGaT Center for Human Genetics Tuebingen
Classification: Benign. Last evaluated: 2026-02-01. Review status: criteria provided, single submitter. Criteria: CeGaT Center For Human Genetics Tuebingen Variant Classification Criteria Version 2. Collection method: clinical testing. Allele origin: germline. Affected: yes. Observed: 2 variant alleles.
Comment: ASPM: BS1, BS2

Genome-Nilou Lab
Classification: Likely benign for Microcephaly 5, primary, autosomal recessive. Last evaluated: 2023-04-11. Review status: criteria provided, single submitter. Criteria: ACMG Guidelines, 2015. Collection method: clinical testing. Allele origin: germline. Affected: no.

Fulgent Genetics
Classification: Likely benign for Microcephaly 5, primary, autosomal recessive. Last evaluated: 2021-09-27. Review status: criteria provided, single submitter. Criteria: ACMG Guidelines, 2015. Collection method: clinical testing. Allele origin: unknown.

Labcorp Genetics (formerly Invitae), Labcorp
Classification: Benign. Last evaluated: 2019-12-31. Review status: criteria provided, single submitter. Criteria: Invitae Variant Classification Sherloc (09022015). Collection method: clinical testing. Allele origin: germline.

Illumina Laboratory Services, Illumina
Classification: Benign for Microcephaly 5, primary, autosomal recessive. Last evaluated: 2017-04-28. Review status: criteria provided, single submitter. Criteria: ICSL Variant Classification Criteria 13 December 2019. Collection method: clinical testing. Allele origin: germline.
Comment: This variant was observed in the ICSL laboratory as part of a predisposition screen in an ostensibly healthy population. It had not been previously curated by ICSL or reported in the Human Gene Mutation Database (HGMD: prior to June 1st, 2018), and was therefore a candidate for classification through an automated scoring system. Utilizing variant allele frequency, disease prevalence and penetrance estimates, and inheritance mode, an automated score was calculated to assess if this variant is too frequent to cause the disease. Based on the score and internal cut-off values, a variant classified as benign is not then subjected to further curation. The score for this variant resulted in a classification of benign for this disease.

Genetic Services Laboratory, University of Chicago
Classification: Benign. Last evaluated: 2014-12-12. Review status: criteria provided, single submitter. Criteria: ACMG Guidelines, 2015. Collection method: clinical testing. Allele origin: germline.

Breakthrough Genomics
Classification: Benign. Review status: criteria provided, single submitter. Criteria: ACMG Guidelines, 2015. Collection method: not provided. Allele origin: germline. Inheritance: Autosomal recessive inheritance. Affected: yes.